The following is an entry in ClinVar:

ClinVar aggregate classification (germline): Pathogenic (1 of 4 stars; one submission).

Conditions:
Gorlin syndrome. Also called: Basal cell nevus syndrome; Nevoid Basal Cell Carcinoma Syndrome. Identifiers: Orphanet 377, MedGen C0004779, MONDO:0007187.

Submission:

Labcorp Genetics (formerly Invitae), Labcorp
Classification: Pathogenic for Gorlin syndrome. Last evaluated: 2024-07-09. Review status: criteria provided, single submitter. Criteria: Invitae Variant Classification Sherloc (09022015). Collection method: clinical testing. Allele origin: germline.
Comment: This sequence change creates a premature translational stop signal (p.Tyr873*) in the PTCH1 gene. It is expected to result in an absent or disrupted protein product. Loss-of-function variants in PTCH1 are known to be pathogenic (PMID: 16301862, 16419085). This variant is not present in population databases (gnomAD no frequency). This premature translational stop signal has been observed in individual(s) with Gorlin syndrome (PMID: 12925203, 26544948). For these reasons, this variant has been classified as Pathogenic.

Literature cited by the submitters: PubMed 16301862; PubMed 16419085; PubMed 12925203; PubMed 26544948.

NM_000264.5(PTCH1):c.2619C>A (p.Tyr873Ter)

Gene: PTCH1 (patched 1; minus strand). Cytogenetic location: 9q22.32.
Variant type: single nucleotide variant.
Coding change: c.2619C>A on transcript NM_000264.5 (MANE Select); coding-DNA position 2619, C replaced by A.
Protein change: p.Tyr873Ter; replaces tyrosine 873 with a stop codon.
Molecular consequence: nonsense. On other transcripts: non-coding transcript variant (1).
Genome position (GRCh38, 1-based): chr9:95,461,940, G>T on the plus strand (C>A on the coding strand, the complement: PTCH1 is on the minus strand). VCF-style: chr9-95461940-G-T. GRCh37 (hg19) VCF-style: chr9-98224222-G-T.
Other names: c.2421C>A, p.Tyr807Ter (NM_001083602.3); c.2616C>A, p.Tyr872Ter (NM_001083603.3); c.2166C>A, p.Tyr722Ter (NM_001083604.3, NM_001083605.3, NM_001083606.3 and 1 more transcripts); c.2463C>A, p.Tyr821Ter (NM_001354918.2); short protein forms Y873*, Y722*, Y807*, Y872*, Y821*.
Identifiers: ClinVar variation 3720886 (VCV003720886.2).
Genomic context (GRCh38, chr9:95,461,940, plus strand): 5'-GCGGCTGCCGGTTTGCACCAGGAGTTTGTAGGCAAGGACTCCATCGTCTGATCCATTCTT[G>T]TAATTGTTTGGCATGATTTTCCCGGTTTCCCAGTCACTGTCAAATGCATCCTGAAGTCCT-3'